The following is an entry in ClinVar:

ClinVar aggregate classification (germline): Pathogenic (1 of 4 stars; one submission).

Conditions:
COG5-congenital disorder of glycosylation. Also called: COG5-CDG; CONGENITAL DISORDER OF GLYCOSYLATION, TYPE IIi; CDG IIi. Identifiers: Orphanet 263487, MedGen C3150876, MONDO:0013325, OMIM 613612.

Submission:

Labcorp Genetics (formerly Invitae), Labcorp
Classification: Pathogenic for COG5-congenital disorder of glycosylation. Last evaluated: 2021-09-15. Review status: criteria provided, single submitter. Criteria: Invitae Variant Classification Sherloc (09022015). Collection method: clinical testing. Allele origin: germline.
Comment: For these reasons, this variant has been classified as Pathogenic. This variant has not been reported in the literature in individuals affected with COG5-related conditions. This variant is a gross deletion of the genomic region encompassing exon(s) 7-10 of the COG5 gene. This deletion is out-of-frame, and is expected to create a premature termination codon and result in an absent or disrupted protein product. Loss-of-function variants in COG5 are known to be pathogenic (PMID: 23228021).

Literature cited by the submitters: PubMed 23228021.

NC_000007.13:g.(?_107002458)_(107053097_?)del

Gene: COG5 (component of oligomeric golgi complex 5; minus strand). Cytogenetic location: 7q22.3.
Variant type: Deletion.
Identifiers: ClinVar variation 1458631 (VCV001458631.4).